The following is an entry in ClinVar:

NM_001371928.1(AHDC1):c.3098G>A (p.Ser1033Asn)

Gene: AHDC1 (AT-hook DNA binding motif containing 1; minus strand). Cytogenetic location: 1p36.11.
Variant type: single nucleotide variant.
Coding change: c.3098G>A on transcript NM_001371928.1 (MANE Select); coding-DNA position 3098, G replaced by A.
Protein change: p.Ser1033Asn; replaces serine 1033 with asparagine.
Molecular consequence: missense variant.
Genome position (GRCh38, 1-based): chr1:27,549,018, C>T on the plus strand (G>A on the coding strand, the complement: AHDC1 is on the minus strand). VCF-style: chr1-27549018-C-T. GRCh37 (hg19) VCF-style: chr1-27875529-C-T.
Other names: c.3098G>A, p.Ser1033Asn (NM_001029882.3); short protein forms S1033N.
Identifiers: ClinVar variation 2063367 (VCV002063367.5), dbSNP rs1387093211, ClinGen allele CA339228340.

ClinVar aggregate classification (germline): Conflicting classifications of pathogenicity. Review status: criteria provided, conflicting classifications (1 of 4 stars). 2 submissions from 2 submitters: Uncertain significance (1); Benign (1). Last evaluated 2025-05-08.

Allele frequency attached by ClinVar (database versions not stated): gnomAD exomes below 0.00001; TOPMed 0.00001.
gnomAD v4.1: 1 of 1,576,220 alleles (0.000063%); highest among the groups gnomAD compares: Non-Finnish European, 0.000086%; no homozygotes.

Submissions (2):

Women's Health and Genetics/Laboratory Corporation of America, LabCorp
Classification: Uncertain significance. Last evaluated: 2025-05-08. Review status: criteria provided, single submitter. Criteria: LabCorp Variant Classification Summary - May 2015. Collection method: clinical testing. Allele origin: germline.
Comment: Variant summary: AHDC1 c.3098G>A (p.Ser1033Asn) results in a conservative amino acid change in the encoded protein sequence. Algorithms developed to predict the effect of missense changes on protein structure and function are either unavailable or do not agree on the potential impact of this missense change. The variant was absent in 217480 control chromosomes. The available data on variant occurrences in the general population are insufficient to allow any conclusion about variant significance. To our knowledge, no occurrence of c.3098G>A in individuals affected with Xia-Gibbs Syndrome and no experimental evidence demonstrating its impact on protein function have been reported. ClinVar contains an entry for this variant (Variation ID: 2063367). Based on the evidence outlined above, the variant was classified as uncertain significance.

Labcorp Genetics (formerly Invitae), Labcorp
Classification: Benign. Last evaluated: 2023-10-12. Review status: criteria provided, single submitter. Criteria: Invitae Variant Classification Sherloc (09022015). Collection method: clinical testing. Allele origin: germline.